The following is an entry in ClinVar:

ClinVar aggregate classification (germline): Uncertain significance (1 of 4 stars; one submission).

gnomAD v4.1: 1 of 1,593,770 alleles (0.000063%); highest among the groups gnomAD compares: Non-Finnish European, 0.000085%; no homozygotes.

Submission:

Labcorp Genetics (formerly Invitae), Labcorp
Classification: Uncertain significance. Last evaluated: 2025-05-07. Review status: criteria provided, single submitter. Criteria: Invitae Variant Classification Sherloc (09022015). Collection method: clinical testing. Allele origin: germline.
Comment: This sequence change replaces glutamic acid, which is acidic and polar, with valine, which is neutral and non-polar, at codon 109 of the COX20 protein (p.Glu109Val). This variant is not present in population databases (gnomAD no frequency). This variant has not been reported in the literature in individuals affected with COX20-related conditions. An algorithm developed to predict the effect of missense changes on protein structure and function (PolyPhen-2) suggests that this variant is likely to be tolerated. In summary, the available evidence is currently insufficient to determine the role of this variant in disease. Therefore, it has been classified as a Variant of Uncertain Significance.

NM_198076.6(COX20):c.326A>T (p.Glu109Val)

Gene: COX20 (cytochrome c oxidase assembly factor COX20; plus strand). Cytogenetic location: 1q44.
Variant type: single nucleotide variant.
Coding change: c.326A>T on transcript NM_198076.6 (MANE Select); coding-DNA position 326, A replaced by T.
Protein change: p.Glu109Val; replaces glutamic acid 109 with valine.
Molecular consequence: missense variant. On other transcripts: 3 prime UTR variant (1), non-coding transcript variant (3).
Genome position (GRCh38, 1-based): chr1:244,843,145, A>T. VCF-style: chr1-244843145-A-T. GRCh37 (hg19) VCF-style: chr1-245006447-A-T.
Other names: c.326A>T, p.Glu109Val (NM_001312871.1); c.362A>T, p.Glu121Val (NM_001312872.1); c.191A>T, p.Glu64Val (NM_001312873.1); c.*136A>T (NM_001312874.1); short protein forms E109V, E121V, E64V.
Identifiers: ClinVar variation 4719103 (VCV004719103.1).